The following is an entry in ClinVar:

NM_001142966.3(GREB1L):c.4795C>T (p.Arg1599Cys)

Gene: GREB1L (GREB1 like retinoic acid receptor coactivator; plus strand). Cytogenetic location: 18q11.2.
Variant type: single nucleotide variant.
Coding change: c.4795C>T on transcript NM_001142966.3 (MANE Select); coding-DNA position 4795, C replaced by T.
Protein change: p.Arg1599Cys; replaces arginine 1599 with cysteine.
Molecular consequence: missense variant.
Genome position (GRCh38, 1-based): chr18:21,513,880, C>T. VCF-style: chr18-21513880-C-T. GRCh37 (hg19) VCF-style: chr18-19093841-C-T.
Other names: c.4924C>T, p.Arg1642Cys (NM_001410867.1); c.4468C>T, p.Arg1490Cys (NM_001410868.1); short protein forms R1490C, R1599C, R1642C.
Identifiers: ClinVar variation 4072507 (VCV004072507.1).

ClinVar aggregate classification (germline): Uncertain significance (1 of 4 stars; one submission).

Submission:

GeneDx
Classification: Uncertain significance. Last evaluated: 2025-01-31. Review status: criteria provided, single submitter. Criteria: GeneDx Variant Classification Process June 2021. Collection method: clinical testing. Allele origin: germline. Affected: yes.
Comment: Not observed at significant frequency in large population cohorts (gnomAD); In silico analysis supports that this missense variant has a deleterious effect on protein structure/function; Has not been previously published as pathogenic or benign to our knowledge